The following is an entry in ClinVar:

ClinVar aggregate classification (germline): Uncertain significance (0 of 4 stars; one submission).

Conditions:
IRF6-related condition. Also called: IRF6-related disorder; IRF6-Related Disorders. Identifiers: MedGen CN378148, MONDO:1040010.

Submission:

PreventionGenetics, part of Exact Sciences
Classification: Uncertain significance for IRF6-related condition. Last evaluated: 2024-01-17. Review status: no assertion criteria provided. Collection method: clinical testing. Allele origin: germline.
Comment: The IRF6 c.1003A>G variant is predicted to result in the amino acid substitution p.Asn335Asp. To our knowledge, this variant has not been reported in the literature or in a large population database, indicating this variant is rare. At this time, the clinical significance of this variant is uncertain due to the absence of conclusive functional and genetic evidence.

NM_006147.4(IRF6):c.1003A>G (p.Asn335Asp)

Gene: IRF6 (interferon regulatory factor 6; minus strand). Cytogenetic location: 1q32.2.
Variant type: single nucleotide variant.
Coding change: c.1003A>G on transcript NM_006147.4 (MANE Select); coding-DNA position 1003, A replaced by G.
Protein change: p.Asn335Asp; replaces asparagine 335 with aspartic acid.
Molecular consequence: missense variant.
Genome position (GRCh38, 1-based): chr1:209,790,552, T>C on the plus strand (A>G on the coding strand, the complement: IRF6 is on the minus strand). VCF-style: chr1-209790552-T-C. GRCh37 (hg19) VCF-style: chr1-209963897-T-C.
Other names: c.718A>G, p.Asn240Asp (NM_001206696.2); short protein forms N240D, N335D.
Identifiers: ClinVar variation 3049897 (VCV003049897.2), dbSNP rs2077863095, ClinGen allele CA344575333.